The following is an entry in ClinVar:

ClinVar aggregate classification (germline): Uncertain significance (1 of 4 stars; one submission).

Submission:

Women's Health and Genetics/Laboratory Corporation of America, LabCorp
Classification: Uncertain significance. Last evaluated: 2025-10-20. Review status: criteria provided, single submitter. Criteria: LabCorp Variant Classification Summary - May 2015. Collection method: clinical testing. Allele origin: germline.
Comment: Variant summary: GCDH c.1218C>G (p.Asn406Lys) results in a non-conservative amino acid change in the encoded protein sequence. Algorithms developed to predict the effect of missense changes on protein structure and function all suggest that this variant is likely to be disruptive. The variant was absent in 251138 control chromosomes (gnomAD). The available data on variant occurrences in the general population are insufficient to allow any conclusion about variant significance. c.1218C>G has been observed in an individual(s) affected with Glutaric Acidemia Type 1 (Goodman_1998). This report does not provide unequivocal conclusions about association of the variant with Glutaric Acidemia Type 1. To our knowledge, no experimental evidence demonstrating an impact on protein function has been reported. The following publication has been ascertained in the context of this evaluation (PMID: 9711871). No submitters have cited clinical-significance assessments for this variant to ClinVar. Based on the evidence outlined above, the variant was classified as uncertain significance.

Literature cited by the submitters: PubMed 9711871.

NM_000159.4(GCDH):c.1218C>G (p.Asn406Lys)

Gene: GCDH (glutaryl-CoA dehydrogenase; plus strand). Cytogenetic location: 19p13.13.
Variant type: single nucleotide variant.
Coding change: c.1218C>G on transcript NM_000159.4 (MANE Select); coding-DNA position 1218, C replaced by G.
Protein change: p.Asn406Lys; replaces asparagine 406 with lysine.
Molecular consequence: missense variant. On other transcripts: non-coding transcript variant (2).
Genome position (GRCh38, 1-based): chr19:12,897,838, C>G. VCF-style: chr19-12897838-C-G. GRCh37 (hg19) VCF-style: chr19-13008652-C-G.
Other names: c.1218C>G, p.Asn406Lys (NM_013976.5); short protein forms N406K.
Identifiers: ClinVar variation 4687161 (VCV004687161.1).
Genomic context (GRCh38, chr19:12,897,838, plus strand): 5'-AGACATGCTGGGGGGGAATGGGATTTCTGACGAGTATCACGTGATCCGGCACGCCATGAA[C>G]CTGGAGGCCGTGAACACCTACGAAGGTAGGAGCTGGACCTCAGAGGGCTCACTGAGGCCT-3'
Protein context (NP_000150.1, residues 396-416): DEYHVIRHAM[Asn406Lys]LEAVNTYEGT